The following is an entry in ClinVar:

NM_032776.3(JMJD1C):c.1703A>G (p.Asp568Gly)

Gene: JMJD1C (jumonji domain containing 1C; minus strand). Cytogenetic location: 10q21.3.
Variant type: single nucleotide variant.
Coding change: c.1703A>G on transcript NM_032776.3 (MANE Select); coding-DNA position 1703, A replaced by G.
Protein change: p.Asp568Gly; replaces aspartic acid 568 with glycine.
Molecular consequence: missense variant. On other transcripts: non-coding transcript variant (1).
Genome position (GRCh38, 1-based): chr10:63,214,464, T>C on the plus strand (A>G on the coding strand, the complement: JMJD1C is on the minus strand). VCF-style: chr10-63214464-T-C. GRCh37 (hg19) VCF-style: chr10-64974224-T-C.
Other names: c.1157A>G, p.Asp386Gly (NM_001282948.2, NM_001318154.2); c.839A>G, p.Asp280Gly (NM_001318153.2); c.1589A>G, p.Asp530Gly (NM_001322252.2); c.1046A>G, p.Asp349Gly (NM_001322254.2, NM_001322258.2); c.1703A>G (NM_032776.1); short protein forms D280G, D349G, D568G, D386G, D530G.
Identifiers: ClinVar variation 1036418 (VCV001036418.7), dbSNP rs201464655, ClinGen allele CA377048053.

ClinVar aggregate classification (germline): Uncertain significance. Review status: criteria provided, multiple submitters, no conflicts (2 of 4 stars). 2 submissions from 2 submitters: Uncertain significance (2). Last evaluated 2026-01-04.

Conditions:
Early Myoclonic Encephalopathy. Identifiers: MedGen C0270855.

gnomAD v4.1: 1 of 1,614,010 alleles (0.000062%); highest among the groups gnomAD compares: Non-Finnish European, 0.000085%; no homozygotes.

Submissions (2):

Labcorp Genetics (formerly Invitae), Labcorp
Classification: Uncertain significance for Early Myoclonic Encephalopathy. Last evaluated: 2026-01-04. Review status: criteria provided, single submitter. Criteria: Invitae Variant Classification Sherloc (09022015). Collection method: clinical testing. Allele origin: germline.
Comment: This sequence change replaces aspartic acid, which is acidic and polar, with glycine, which is neutral and non-polar, at codon 568 of the JMJD1C protein (p.Asp568Gly). This variant is not present in population databases (gnomAD no frequency). This variant has not been reported in the literature in individuals affected with JMJD1C-related conditions. ClinVar contains an entry for this variant (Variation ID: 1036418). Invitae Evidence Modeling of protein sequence and biophysical properties (such as structural, functional, and spatial information, amino acid conservation, physicochemical variation, residue mobility, and thermodynamic stability) indicates that this missense variant is not expected to disrupt JMJD1C protein function with a negative predictive value of 80%. In summary, the available evidence is currently insufficient to determine the role of this variant in disease. Therefore, it has been classified as a Variant of Uncertain Significance.

Ambry Genetics
Classification: Uncertain significance. Last evaluated: 2021-12-03. Review status: criteria provided, single submitter. Criteria: Ambry Variant Classification Scheme 2023. Collection method: clinical testing. Allele origin: germline.